The following is an entry in ClinVar:

NM_006506.5(RASA2):c.15_17dup (p.Pro6dup)

Genes: RASA2 (RAS p21 protein activator 2; plus strand), LOC129937686 (ATAC-STARR-seq lymphoblastoid silent region 14777; plus strand). Cytogenetic location: 3q23.
Variant type: Duplication.
Coding change: c.15_17dup on transcript NM_006506.5 (MANE Select); coding-DNA positions 15 to 17, 3 bases duplicated (GCC; older notation c.15_17dupGCC).
Protein change: p.Pro6dup; duplicates proline 6.
Molecular consequence: inframe insertion.
Genome position (GRCh38, 1-based): chr3:141,487,098-141,487,100, GCC duplicated; duplicating any 3 consecutive bases within chr3:141,487,097-141,487,100 gives the same sequence; the c. name uses the placement nearest the transcript's 3' end. VCF-style (leftmost placement, unchanged base first): chr3-141487096-G-GCGC. GRCh37 (hg19) VCF-style: chr3-141205938-G-GCGC.
Other names: c.15_17dup, p.Pro6dup (NM_001303245.3, NM_001303246.3).
Identifiers: ClinVar variation 1451069 (VCV001451069.8), dbSNP rs1452370989, ClinGen allele CA899816669.
Genomic context (GRCh38, chr3:141,487,096, plus strand): 5'-CGCCCGGCTACGCAGGCGGCAGGGCTGCGGCACGGGCCGGGCGGCACCATGGCGGCGGCG[G>GCGC]CGCCTGCTGCTGCGGCGGCTTCTTCCGAGGCGCCAGCGGCGAGTGCGACTGCAGAGCCCG-3'

ClinVar aggregate classification (germline): Uncertain significance (1 of 4 stars; one submission).

Submission:

Labcorp Genetics (formerly Invitae), Labcorp
Classification: Uncertain significance. Last evaluated: 2025-12-02. Review status: criteria provided, single submitter. Criteria: Invitae Variant Classification Sherloc (09022015). Collection method: clinical testing. Allele origin: germline.
Comment: This variant, c.15_17dup, results in the insertion of 1 amino acid(s) of the RASA2 protein (p.Pro6dup), but otherwise preserves the integrity of the reading frame. This variant is not present in population databases (gnomAD no frequency). This variant has not been reported in the literature in individuals affected with RASA2-related conditions. ClinVar contains an entry for this variant (Variation ID: 1451069). Experimental studies and prediction algorithms are not available or were not evaluated, and the functional significance of this variant is currently unknown. In summary, the available evidence is currently insufficient to determine the role of this variant in disease. Therefore, it has been classified as a Variant of Uncertain Significance.